The following is an entry in ClinVar:

NM_001040142.2(SCN2A):c.1934A>G (p.His645Arg)

Gene: SCN2A (sodium voltage-gated channel alpha subunit 2; plus strand). Cytogenetic location: 2q24.3.
Variant type: single nucleotide variant.
Coding change: c.1934A>G on transcript NM_001040142.2 (MANE Select); coding-DNA position 1934, A replaced by G.
Protein change: p.His645Arg; replaces histidine 645 with arginine.
Molecular consequence: missense variant.
Genome position (GRCh38, 1-based): chr2:165,323,418, A>G. VCF-style: chr2-165323418-A-G. GRCh37 (hg19) VCF-style: chr2-166179928-A-G.
Other names: c.1934A>G, p.His645Arg (NM_001040143.2, NM_001371246.1, NM_001371247.1 and 1 more transcripts); short protein forms H645R.
Identifiers: ClinVar variation 2938283 (VCV002938283.3), dbSNP rs1401885574, ClinGen allele CA349027534.

ClinVar aggregate classification (germline): Uncertain significance (1 of 4 stars; one submission).

Conditions:
Seizures, benign familial infantile, 3 (BFIS3). Also called: CONVULSIONS, BENIGN FAMILIAL INFANTILE, 3; Familial neonatal seizures. Identifiers: Orphanet 140927, Orphanet 306, MedGen C1843140, MONDO:0011904, OMIM 607745.
Developmental and epileptic encephalopathy, 11 (DEE11). Also called: Early infantile epileptic encephalopathy 11. Identifiers: Orphanet 1934, MedGen C3150987, MONDO:0013388, OMIM 613721.

Allele frequency attached by ClinVar (database versions not stated): TOPMed below 0.00001; gnomAD 0.00001.
gnomAD v4.1: 1 of 1,614,022 alleles (0.000062%); highest among the groups gnomAD compares: Non-Finnish European, 0.000085%; no homozygotes.

Submission:

Labcorp Genetics (formerly Invitae), Labcorp
Classification: Uncertain significance for Seizures, benign familial infantile, 3; Developmental and epileptic encephalopathy, 11. Last evaluated: 2023-03-18. Review status: criteria provided, single submitter. Criteria: Invitae Variant Classification Sherloc (09022015). Collection method: clinical testing. Allele origin: germline.
Comment: This sequence change replaces histidine, which is basic and polar, with arginine, which is basic and polar, at codon 645 of the SCN2A protein (p.His645Arg). This variant is not present in population databases (gnomAD no frequency). This variant has not been reported in the literature in individuals affected with SCN2A-related conditions. Advanced modeling of protein sequence and biophysical properties (such as structural, functional, and spatial information, amino acid conservation, physicochemical variation, residue mobility, and thermodynamic stability) has been performed at Invitae for this missense variant, however the output from this modeling did not meet the statistical confidence thresholds required to predict the impact of this variant on SCN2A protein function. In summary, the available evidence is currently insufficient to determine the role of this variant in disease. Therefore, it has been classified as a Variant of Uncertain Significance.